The following is an entry in ClinVar:

NM_003240.5(LEFTY2):c.770T>C (p.Met257Thr)

Gene: LEFTY2 (left-right determination factor 2; minus strand). Cytogenetic location: 1q42.12.
Variant type: single nucleotide variant.
Coding change: c.770T>C on transcript NM_003240.5 (MANE Select); coding-DNA position 770, T replaced by C.
Protein change: p.Met257Thr; replaces methionine 257 with threonine.
Molecular consequence: missense variant.
Genome position (GRCh38, 1-based): chr1:225,937,772, A>G on the plus strand (T>C on the coding strand, the complement: LEFTY2 is on the minus strand). VCF-style: chr1-225937772-A-G. GRCh37 (hg19) VCF-style: chr1-226125472-A-G.
Other names: c.668T>C, p.Met223Thr (NM_001172425.3); short protein forms M257T, M223T.
Identifiers: ClinVar variation 2911130 (VCV002911130.3), dbSNP rs769963460, ClinGen allele CA1420482.
Genomic context (GRCh38, chr1:225,937,772, plus strand): 5'-CACTTCATCCCCTGCAGGTCAATGTACATCTCCTGGCGGCAGCAGCGGGTGCCCTCGGTC[A>G]TTGGTGCTTCAGGGTCACAGTCGCCCTGAGCTCTGTGTGGGCAAGGAGAGCAGGGTCAGA-3'
Protein context (NP_003231.2, residues 247-267): AQGDCDPEAP[Met257Thr]TEGTRCCRQE

ClinVar aggregate classification (germline): Uncertain significance (1 of 4 stars; one submission).

Conditions:
Left-right axis malformations. Identifiers: MedGen C1866091.

Allele frequency attached by ClinVar (database versions not stated): gnomAD exomes below 0.00001; gnomAD 0.00001; TOPMed 0.00001; ExAC 0.00002.
gnomAD v4.1: 8 of 1,611,852 alleles (0.0005%); highest among the groups gnomAD compares: Admixed American, 0.0033%; no homozygotes.

Submission:

Labcorp Genetics (formerly Invitae), Labcorp
Classification: Uncertain significance for Left-right axis malformations. Last evaluated: 2025-09-30. Review status: criteria provided, single submitter. Criteria: Invitae Variant Classification Sherloc (09022015). Collection method: clinical testing. Allele origin: germline.
Comment: This sequence change replaces methionine, which is neutral and non-polar, with threonine, which is neutral and polar, at codon 257 of the LEFTY2 protein (p.Met257Thr). This variant is present in population databases (rs769963460, gnomAD 0.003%). This variant has not been reported in the literature in individuals affected with LEFTY2-related conditions. ClinVar contains an entry for this variant (Variation ID: 2911130). Invitae Evidence Modeling of protein sequence and biophysical properties (such as structural, functional, and spatial information, amino acid conservation, physicochemical variation, residue mobility, and thermodynamic stability) indicates that this missense variant is not expected to disrupt LEFTY2 protein function with a negative predictive value of 80%. In summary, the available evidence is currently insufficient to determine the role of this variant in disease. Therefore, it has been classified as a Variant of Uncertain Significance.